The following is an entry in ClinVar:

NM_001098.3(ACO2):c.1605+93G>A

Gene: ACO2 (aconitase 2; plus strand). Cytogenetic location: 22q13.2.
Variant type: single nucleotide variant.
Coding change: c.1605+93G>A on transcript NM_001098.3 (MANE Select); 93 bases into the intron after coding-DNA position 1605, G replaced by A.
Molecular consequence: intron variant.
Genome position (GRCh38, 1-based): chr22:41,525,061, G>A. VCF-style: chr22-41525061-G-A. GRCh37 (hg19) VCF-style: chr22-41921065-G-A.
Identifiers: ClinVar variation 675591 (VCV000675591.1), dbSNP rs74593700, ClinGen allele CA324580532.

ClinVar aggregate classification (germline): Benign (1 of 4 stars; one submission).

Allele frequency attached by ClinVar (database versions not stated): gnomAD exomes 0.00158; gnomAD 0.01654 and 0.01785; 1000 Genomes Project 0.01777; 1000 Genomes Project 30x 0.01889; TOPMed 0.01916.
gnomAD v4.1: 4,911 of 1,604,894 alleles (0.31%); highest among the groups gnomAD compares: African/African-American, 5.7%; 130 homozygotes.

Submission:

GeneDx
Classification: Benign. Last evaluated: 2018-06-16. Review status: criteria provided, single submitter. Criteria: GeneDx Variant Classification (06012015). Collection method: clinical testing. Allele origin: germline. Affected: yes.
Comment: This variant is considered likely benign or benign based on one or more of the following criteria: it is a conservative change, it occurs at a poorly conserved position in the protein, it is predicted to be benign by multiple in silico algorithms, and/or has population frequency not consistent with disease.